The following is an entry in ClinVar:

NM_000059.4(BRCA2):c.8633-1346A>T

Gene: BRCA2 (BRCA2 DNA repair associated; plus strand). Cytogenetic location: 13q13.1.
Variant type: single nucleotide variant.
Coding change: c.8633-1346A>T on transcript NM_000059.4 (MANE Select); 1346 bases into the intron before coding-DNA position 8633, A replaced by T.
Molecular consequence: intron variant.
Genome position (GRCh38, 1-based): chr13:32,375,324, A>T. VCF-style: chr13-32375324-A-T. GRCh37 (hg19) VCF-style: chr13-32949461-A-T.
Other names: c.8633-1346A>T (NM_001432077.1, NM_001406720.1); c.8537-1346A>T (NM_001406719.1); c.3701-1346A>T (NM_001406721.1); c.2216-1346A>T (NM_001406722.1).
Identifiers: ClinVar variation 4215899 (VCV004215899.2).

ClinVar aggregate classification (germline): Uncertain significance (1 of 4 stars; one submission).

Conditions:
Hereditary cancer-predisposing syndrome. Also called: Neoplastic Syndromes, Hereditary; Tumor predisposition; Hereditary Cancer Syndrome; Hereditary neoplastic syndrome. Identifiers: Orphanet 140162, MedGen C0027672, MeSH D009386, MONDO:0015356.

Submission:

Ambry Genetics
Classification: Uncertain significance for Hereditary cancer-predisposing syndrome. Last evaluated: 2026-05-28. Review status: criteria provided, single submitter. Criteria: Ambry Variant Classification Scheme 2023. Collection method: clinical testing. Allele origin: germline.
Comment: The c.8633-1346A>T intronic variant results from an A to T substitution 1346 nucleotides upstream from coding exon 20 in the BRCA2 gene. This nucleotide position is conserved on limited sequence alignment. In silico splice site analysis predicts that this alteration may result in the creation or strengthening of a novel splice acceptor site. RNA studies have demonstrated that this variant results in a splice defect; the clinical impact of this abnormal splicing is unknown at this time (Ambry internal data). Based on the available evidence, the clinical significance of this variant remains unclear.